The following is an entry in ClinVar:

NM_205850.3(SLC24A5):c.1057G>T (p.Val353Phe)

Genes: MYEF2 (myelin expression factor 2; minus strand), SLC24A5 (solute carrier family 24 member 5; plus strand). Cytogenetic location: 15q21.1.
Variant type: single nucleotide variant.
Coding change: c.1057G>T on transcript NM_205850.3 (MANE Select); coding-DNA position 1057, G replaced by T.
Protein change: p.Val353Phe; replaces valine 353 with phenylalanine.
Molecular consequence: missense variant. On other transcripts: 3 prime UTR variant (2).
Genome position (GRCh38, 1-based): chr15:48,139,154, G>T. VCF-style: chr15-48139154-G-T. GRCh37 (hg19) VCF-style: chr15-48431351-G-T.
Other names: c.*3754C>A (NM_001301210.2, NM_016132.5); short protein forms V353F.
Identifiers: ClinVar variation 1951724 (VCV001951724.5), dbSNP rs555872528, ClinGen allele CA392453236.

ClinVar aggregate classification (germline): Uncertain significance (1 of 4 stars; one submission).

Submission:

Labcorp Genetics (formerly Invitae), Labcorp
Classification: Uncertain significance. Last evaluated: 2022-02-22. Review status: criteria provided, single submitter. Criteria: Invitae Variant Classification Sherloc (09022015). Collection method: clinical testing. Allele origin: germline.
Comment: In summary, the available evidence is currently insufficient to determine the role of this variant in disease. Therefore, it has been classified as a Variant of Uncertain Significance. Algorithms developed to predict the effect of missense changes on protein structure and function are either unavailable or do not agree on the potential impact of this missense change (SIFT: "Deleterious"; PolyPhen-2: "Benign"; Align-GVGD: "Class C0"). This variant has not been reported in the literature in individuals affected with SLC24A5-related conditions. This variant is not present in population databases (gnomAD no frequency). This sequence change replaces valine, which is neutral and non-polar, with phenylalanine, which is neutral and non-polar, at codon 353 of the SLC24A5 protein (p.Val353Phe).